The following is an entry in ClinVar:

ClinVar aggregate classification (germline): Uncertain significance (1 of 4 stars; one submission).

Conditions:
Joubert syndrome. Also called: CEREBELLOPARENCHYMAL DISORDER IV; JOUBERT-BOLTSHAUSER SYNDROME; Familial aplasia of the vermis. Identifiers: Orphanet 475, MedGen C5979921, MONDO:0018772.
Meckel-Gruber syndrome. Also called: DYSENCEPHALIA SPLANCHNOCYSTICA; GRUBER SYNDROME; Dysencephalia splachnocystica. Identifiers: Orphanet 564, MedGen C0265215, MONDO:0018921.
Nephronophthisis. Also called: Juvenile Nephronophthisis. Identifiers: Orphanet 655, MedGen C0687120, MONDO:0019005, HP:0000090.

Submission:

Labcorp Genetics (formerly Invitae), Labcorp
Classification: Uncertain significance for Joubert syndrome; Meckel-Gruber syndrome; Nephronophthisis. Last evaluated: 2022-10-25. Review status: criteria provided, single submitter. Criteria: Invitae Variant Classification Sherloc (09022015). Collection method: clinical testing. Allele origin: germline.
Comment: This variant has not been reported in the literature in individuals affected with CEP290-related conditions. In summary, the available evidence is currently insufficient to determine the role of this variant in disease. Therefore, it has been classified as a Variant of Uncertain Significance. Advanced modeling of protein sequence and biophysical properties (such as structural, functional, and spatial information, amino acid conservation, physicochemical variation, residue mobility, and thermodynamic stability) has been performed at Invitae for this missense variant, however the output from this modeling did not meet the statistical confidence thresholds required to predict the impact of this variant on CEP290 protein function. This variant is not present in population databases (gnomAD no frequency). This sequence change replaces aspartic acid, which is acidic and polar, with asparagine, which is neutral and polar, at codon 433 of the CEP290 protein (p.Asp433Asn).

NM_025114.4(CEP290):c.1297G>A (p.Asp433Asn)

Gene: CEP290 (centrosomal protein 290; minus strand). Cytogenetic location: 12q21.32.
Variant type: single nucleotide variant.
Coding change: c.1297G>A on transcript NM_025114.4 (MANE Select); coding-DNA position 1297, G replaced by A.
Protein change: p.Asp433Asn; replaces aspartic acid 433 with asparagine.
Molecular consequence: missense variant.
Genome position (GRCh38, 1-based): chr12:88,121,059, C>T on the plus strand (G>A on the coding strand, the complement: CEP290 is on the minus strand). VCF-style: chr12-88121059-C-T. GRCh37 (hg19) VCF-style: chr12-88514836-C-T.
Other names: short protein forms D433N.
Identifiers: ClinVar variation 1996249 (VCV001996249.4), dbSNP rs2501090442, ClinGen allele CA385980550.